The following is an entry in ClinVar:

NM_032444.4(SLX4):c.2808_2809del (p.Ala938fs)

Gene: SLX4 (SLX4 structure-specific endonuclease subunit; minus strand). Cytogenetic location: 16p13.3.
Variant type: Deletion.
Coding change: c.2808_2809del on transcript NM_032444.4 (MANE Select); coding-DNA positions 2808 to 2809, 2 bases deleted (AG; older notation c.2808_2809delAG).
Protein change: p.Ala938fs; shifts the reading frame from alanine 938.
Molecular consequence: frameshift variant.
Genome position (GRCh38, 1-based): chr16:3,590,829-3,590,830, CT deleted on the plus strand (AG on the coding strand, the reverse complement: SLX4 is on the minus strand). VCF-style (leftmost placement, unchanged base first): chr16-3590828-CCT-C. GRCh37 (hg19) VCF-style: chr16-3640829-CCT-C.
Other names: c.2808_2809delAG (NM_032444.4); short protein forms A938fs.
Identifiers: ClinVar variation 1454486 (VCV001454486.8), dbSNP rs767631456, ClinGen allele CA7866065.

ClinVar aggregate classification (germline): Pathogenic/Likely pathogenic. Review status: criteria provided, multiple submitters, no conflicts (2 of 4 stars). 3 submissions from 3 submitters: Pathogenic (2); Likely pathogenic (1). Last evaluated 2025-12-14.

Conditions:
Fanconi anemia complementation group P. Also called: SLX4-Related Fanconi Anemia. Identifiers: Orphanet 84, MedGen C3469542, MONDO:0013499, OMIM 613951.
Fanconi anemia (FA). Also called: Fanconi's anemia. Identifiers: Orphanet 84, MedGen C0015625, MeSH D005199, MONDO:0019391.

Allele frequency attached by ClinVar (database versions not stated): gnomAD 0.00001; ExAC 0.00002; gnomAD exomes 0.00002 and 0.00006; TOPMed 0.00003.

Submissions (3):

Labcorp Genetics (formerly Invitae), Labcorp
Classification: Pathogenic for Fanconi anemia. Last evaluated: 2025-12-14. Review status: criteria provided, single submitter. Criteria: Invitae Variant Classification Sherloc (09022015). Collection method: clinical testing. Allele origin: germline.
Comment: This sequence change creates a premature translational stop signal (p.Ala938Thrfs*7) in the SLX4 gene. It is expected to result in an absent or disrupted protein product. Loss-of-function variants in SLX4 are known to be pathogenic (PMID: 21240277). This variant is present in population databases (rs767631456, gnomAD 0.004%). This premature translational stop signal has been observed in individual(s) with prostate cancer (PMID: 29915322). This variant is also known as p.Ala936fs. ClinVar contains an entry for this variant (Variation ID: 1454486). For these reasons, this variant has been classified as Pathogenic.

Women's Health and Genetics/Laboratory Corporation of America, LabCorp
Classification: Pathogenic for Fanconi anemia. Last evaluated: 2024-11-06. Review status: criteria provided, single submitter. Criteria: LabCorp Variant Classification Summary - May 2015. Collection method: clinical testing. Allele origin: germline.
Comment: Variant summary: SLX4 c.2808_2809delAG (p.Ala938ThrfsX7) results in a premature termination codon, predicted to cause a truncation of the encoded protein or absence of the protein due to nonsense mediated decay, which are commonly known mechanisms for disease. The variant allele was found at a frequency of 2e-05 in 251318 control chromosomes (gnomAD). To our knowledge, no occurrence of c.2808_2809delAG in individuals affected with Fanconi Anemia and no experimental evidence demonstrating its impact on protein function have been reported. ClinVar contains an entry for this variant (Variation ID: 1454486). Based on the evidence outlined above, the variant was classified as pathogenic.

Fulgent Genetics
Classification: Likely pathogenic for Fanconi anemia complementation group P. Last evaluated: 2024-03-14. Review status: criteria provided, single submitter. Criteria: ACMG Guidelines, 2015. Collection method: clinical testing. Allele origin: germline.

Literature cited by the submitters: PubMed 21240277 (cited by Labcorp Genetics (formerly Invitae), Labcorp); PubMed 29915322 (cited by Labcorp Genetics (formerly Invitae), Labcorp).